The following is an entry in ClinVar:

ClinVar aggregate classification (germline): Pathogenic (1 of 4 stars; one submission).

Submission:

GeneDx
Classification: Pathogenic. Last evaluated: 2024-01-25. Review status: criteria provided, single submitter. Criteria: GeneDx Variant Classification Process June 2021. Collection method: clinical testing. Allele origin: germline. Affected: yes.
Comment: Not observed at significant frequency in large population cohorts (gnomAD); Nonsense variant predicted to result in protein truncation or nonsense mediated decay in a gene for which loss of function is a known mechanism of disease; This variant is associated with the following publications: (PMID: 36291481)

NM_001197104.2(KMT2A):c.7009C>T (p.Gln2337Ter)

Gene: KMT2A (lysine methyltransferase 2A; plus strand). Cytogenetic location: 11q23.3.
Variant type: single nucleotide variant.
Coding change: c.7009C>T on transcript NM_001197104.2 (MANE Select); coding-DNA position 7009, C replaced by T.
Protein change: p.Gln2337Ter; replaces glutamine 2337 with a stop codon.
Molecular consequence: nonsense.
Genome position (GRCh38, 1-based): chr11:118,502,901, C>T. VCF-style: chr11-118502901-C-T. GRCh37 (hg19) VCF-style: chr11-118373616-C-T.
Other names: c.7099C>T, p.Gln2367Ter (NM_001412597.1); c.7000C>T, p.Gln2334Ter (NM_005933.4); short protein forms Q2334*, Q2337*, Q2367*.
Identifiers: ClinVar variation 3368280 (VCV003368280.1).
Genomic context (GRCh38, chr11:118,502,901, plus strand): 5'-AAGAGCTCAGAGGGATCTGCACATAATGTGGCTTACCCTGGAATTCCTAAACTGGCCCCA[C>T]AGGTTCATAACACAACATCTAGAGAACTGAATGTTAGTAAAATCGGCTCCTTTGCTGAAC-3'